The following is an entry in ClinVar:

NM_003331.5(TYK2):c.1954G>A (p.Ala652Thr)

Gene: TYK2 (tyrosine kinase 2; minus strand). Cytogenetic location: 19p13.2.
Variant type: single nucleotide variant.
Coding change: c.1954G>A on transcript NM_003331.5 (MANE Select); coding-DNA position 1954, G replaced by A.
Protein change: p.Ala652Thr; replaces alanine 652 with threonine.
Molecular consequence: missense variant. On other transcripts: intron variant (1).
Genome position (GRCh38, 1-based): chr19:10,361,775, C>T on the plus strand (G>A on the coding strand, the complement: TYK2 is on the minus strand). VCF-style: chr19-10361775-C-T. GRCh37 (hg19) VCF-style: chr19-10472451-C-T.
Other names: c.1954G>A, p.Ala652Thr (NM_001385197.1, NM_001385198.1, NM_001385200.1 and 2 more transcripts); c.1756G>A, p.Ala586Thr (NM_001385201.1); c.1870G>A, p.Ala624Thr (NM_001385202.1); c.1864G>A, p.Ala622Thr (NM_001385205.1); c.1828G>A, p.Ala610Thr (NM_001385206.1); c.1936G>A, p.Ala646Thr (NM_001385207.1); c.1774-177G>A (NM_001385199.1); short protein forms A586T, A610T, A622T, A624T, A646T, A652T.
Identifiers: ClinVar variation 1021024 (VCV001021024.6), dbSNP rs144290894, ClinGen allele CA9193249.

ClinVar aggregate classification (germline): Uncertain significance (1 of 4 stars; one submission).

Conditions:
Immunodeficiency 35 (IMD35). Also called: TYK2 DEFICIENCY; HIES WITH ATYPICAL MYCOBACTERIOSIS, AUTOSOMAL RECESSIVE; HYPER-IgE SYNDROME WITH ATYPICAL MYCOBACTERIOSIS, AUTOSOMAL RECESSIVE; Susceptibility to infection due to TYK2 deficiency. Identifiers: Orphanet 331226, MedGen C1969086, MONDO:0012682, OMIM 611521.

Allele frequency attached by ClinVar (database versions not stated): gnomAD exomes 0.00004 and 0.00011; gnomAD 0.00005; ESP Exome Variant Server 0.00008; ExAC 0.00009; TOPMed 0.00009.
gnomAD v4.1: 71 of 1,613,394 alleles (0.0044%); highest among the groups gnomAD compares: East Asian, 0.074%; no homozygotes.

Submission:

Labcorp Genetics (formerly Invitae), Labcorp
Classification: Uncertain significance for Immunodeficiency 35. Last evaluated: 2022-09-13. Review status: criteria provided, single submitter. Criteria: Invitae Variant Classification Sherloc (09022015). Collection method: clinical testing. Allele origin: germline.
Comment: This sequence change replaces alanine, which is neutral and non-polar, with threonine, which is neutral and polar, at codon 652 of the TYK2 protein (p.Ala652Thr). This variant is present in population databases (rs144290894, gnomAD 0.1%). This variant has not been reported in the literature in individuals affected with TYK2-related conditions. ClinVar contains an entry for this variant (Variation ID: 1021024). Advanced modeling of protein sequence and biophysical properties (such as structural, functional, and spatial information, amino acid conservation, physicochemical variation, residue mobility, and thermodynamic stability) performed at Invitae indicates that this missense variant is not expected to disrupt TYK2 protein function. In summary, the available evidence is currently insufficient to determine the role of this variant in disease. Therefore, it has been classified as a Variant of Uncertain Significance.